The following is an entry in ClinVar:

NM_182931.3(KMT2E):c.3952T>C (p.Phe1318Leu)

Gene: KMT2E (lysine methyltransferase 2E (inactive); plus strand). Cytogenetic location: 7q22.3.
Variant type: single nucleotide variant.
Coding change: c.3952T>C on transcript NM_182931.3 (MANE Select); coding-DNA position 3952, T replaced by C.
Protein change: p.Phe1318Leu; replaces phenylalanine 1318 with leucine.
Molecular consequence: missense variant. On other transcripts: intron variant (1).
Genome position (GRCh38, 1-based): chr7:105,110,584, T>C. VCF-style: chr7-105110584-T-C. GRCh37 (hg19) VCF-style: chr7-104751031-T-C.
Other names: c.3952T>C, p.Phe1318Leu (NM_018682.4); c.3845-187T>C (NM_001410908.1); short protein forms F1318L.
Identifiers: ClinVar variation 2715142 (VCV002715142.3), dbSNP rs2536518742, ClinGen allele CA368791016.

ClinVar aggregate classification (germline): Uncertain significance (1 of 4 stars; one submission).

Allele frequency attached by ClinVar (database versions not stated): gnomAD exomes below 0.00001.
gnomAD v4.1: 2 of 1,614,166 alleles (0.00012%); highest among the groups gnomAD compares: Middle Eastern, 0.016%; no homozygotes.

Submission:

Labcorp Genetics (formerly Invitae), Labcorp
Classification: Uncertain significance. Last evaluated: 2025-08-24. Review status: criteria provided, single submitter. Criteria: Invitae Variant Classification Sherloc (09022015). Collection method: clinical testing. Allele origin: germline.
Comment: This sequence change replaces phenylalanine, which is neutral and non-polar, with leucine, which is neutral and non-polar, at codon 1318 of the KMT2E protein (p.Phe1318Leu). This variant is not present in population databases (gnomAD no frequency). This variant has not been reported in the literature in individuals affected with KMT2E-related conditions. ClinVar contains an entry for this variant (Variation ID: 2715142). Invitae Evidence Modeling of protein sequence and biophysical properties (such as structural, functional, and spatial information, amino acid conservation, physicochemical variation, residue mobility, and thermodynamic stability) indicates that this missense variant is not expected to disrupt KMT2E protein function with a negative predictive value of 80%. In summary, the available evidence is currently insufficient to determine the role of this variant in disease. Therefore, it has been classified as a Variant of Uncertain Significance.